The following is an entry in ClinVar:

NM_001330360.2(POLA1):c.4346G>C (p.Arg1449Pro)

Gene: POLA1 (DNA polymerase alpha 1, catalytic subunit; plus strand). Cytogenetic location: Xp21.3.
Variant type: single nucleotide variant.
Coding change: c.4346G>C on transcript NM_001330360.2 (MANE Select); coding-DNA position 4346, G replaced by C.
Protein change: p.Arg1449Pro; replaces arginine 1449 with proline.
Molecular consequence: missense variant. On other transcripts: non-coding transcript variant (2).
Genome position (GRCh38, 1-based): chrX:24,995,889, G>C. VCF-style: chrX-24995889-G-C. GRCh37 (hg19) VCF-style: chrX-25014006-G-C.
Other names: c.4271G>C, p.Arg1424Pro (NM_001378303.1); c.4328G>C, p.Arg1443Pro (NM_016937.4); short protein forms R1424P, R1443P, R1449P.
Identifiers: ClinVar variation 1309340 (VCV001309340.2), dbSNP rs756870428, ClinGen allele CA412609630.

ClinVar aggregate classification (germline): Uncertain significance (1 of 4 stars; one submission).

Submission:

GeneDx
Classification: Uncertain significance. Last evaluated: 2019-11-05. Review status: criteria provided, single submitter. Criteria: GeneDx Variant Classification Process June 2021. Collection method: clinical testing. Allele origin: germline. Affected: yes.
Comment: Not observed in large population cohorts (Lek et al., 2016); In silico analysis, which includes protein predictors and evolutionary conservation, supports a deleterious effect; Has not been previously published as pathogenic or benign to our knowledge; Variants in candidate genes are classified as variants of uncertain significance in accordance with ACMG guidelines (Richards et al., 2015)